The following is an entry in ClinVar:

ClinVar aggregate classification (germline): Pathogenic (1 of 4 stars; one submission).

Conditions:
Primary ciliary dyskinesia 3. Identifiers: Orphanet 244, MedGen C1837618, MONDO:0012085, OMIM 608644.

Submission:

Myriad Genetics, Inc.
Classification: Pathogenic for Primary ciliary dyskinesia 3. Last evaluated: 2024-05-14. Review status: criteria provided, single submitter. Criteria: Myriad Autosomal Dominant, Autosomal Recessive and X-Linked Classification Criteria (2023). Collection method: clinical testing. Allele origin: unknown.
Comment: NM_001369.2(DNAH5):c.9940_9941del2ins16(R3314Cfs*29) is expected to be pathogenic in the context of primary ciliary dyskinesia, DNAH5-related. This variant is predicted to lead to an abnormal or absent protein product due to the creation of a premature termination codon in DNAH5, a gene where loss-of-function variants are known to be pathogenic. Please note: this variant was assessed in the context of healthy population screening.

NM_001369.3(DNAH5):c.9940_9941delinsTGTCTCTTATACACAT (p.Arg3314fs)

Gene: DNAH5 (dynein axonemal heavy chain 5; minus strand). Cytogenetic location: 5p15.2.
Variant type: Indel.
Coding change: c.9940_9941delinsTGTCTCTTATACACAT on transcript NM_001369.3 (MANE Select); coding-DNA positions 9940 to 9941, CG replaced by TGTCTCTTATACACAT.
Protein change: p.Arg3314fs; shifts the reading frame from arginine 3314.
Molecular consequence: frameshift variant.
Genome position (GRCh38, 1-based): chr5:13,766,136-13,766,137, CG replaced by ATGTGTATAAGAGACA on the plus strand (CG replaced by TGTCTCTTATACACAT on the coding strand, the reverse complement: DNAH5 is on the minus strand). VCF-style: chr5-13766136-CG-ATGTGTATAAGAGACA. GRCh37 (hg19) VCF-style: chr5-13766245-CG-ATGTGTATAAGAGACA.
Other names: short protein forms R3314fs.
Identifiers: ClinVar variation 5010413 (VCV005010413.1).
Genomic context (GRCh38, chr5:13,766,136, plus strand): 5'-ACTTTCCTTTGAAACAGCAGCAGTACGCAATCCATGATCCGCATGATGAGGTGAGGGGGG[CG>ATGTGTATAAGAGACA]GCCCAACGTGCGAACAGTGGCGATGTCCGAAGGCCTGATGGTCTGGGGGATGAAAGGAAC-3'